The following is an entry in ClinVar:

ClinVar aggregate classification (germline): Uncertain significance (1 of 4 stars; one submission).

Conditions:
Chuvash polycythemia. Also called: POLYCYTHEMIA, VHL-DEPENDENT. Identifiers: Orphanet 238557, MedGen C1837915, MONDO:0009892, OMIM 263400.
Von Hippel-Lindau syndrome (VHLS). Also called: Von Hippel-Lindau; von Hippel–Lindau syndrome; VHL syndrome. Identifiers: Orphanet 892, MedGen C0019562, MONDO:0008667, OMIM 193300. Disease mechanism: loss of function.

Allele frequency attached by ClinVar (database versions not stated): TOPMed 0.00001.

Submission:

Labcorp Genetics (formerly Invitae), Labcorp
Classification: Uncertain significance for Von Hippel-Lindau syndrome; Chuvash polycythemia. Last evaluated: 2024-04-06. Review status: criteria provided, single submitter. Criteria: Invitae Variant Classification Sherloc (09022015). Collection method: clinical testing. Allele origin: germline.
Comment: This sequence change falls in intron 1 of the VHL gene. It is not expected to change the encoded amino acid sequence of the VHL protein. However, this sequence change falls within a cryptic exon in the VHL gene, known as exon E1’, which is naturally expressed at low levels in several human tissues (PMID: 29891534). This variant is not present in population databases (gnomAD no frequency). This variant has not been reported in the literature in individuals affected with VHL-related conditions. ClinVar contains an entry for this variant (Variation ID: 1368008). Experimental studies and prediction algorithms are not available or were not evaluated, and the functional significance of this variant is currently unknown. Algorithms developed to predict the effect of sequence changes on RNA splicing suggest that this variant is not likely to affect RNA splicing. In summary, the available evidence is currently insufficient to determine the role of this variant in disease. Therefore, it has been classified as a Variant of Uncertain Significance.

Literature cited by the submitters: PubMed 29891534.

NM_000551.4(VHL):c.340+619C>T

Genes: VHL (von Hippel-Lindau tumor suppressor; plus strand), LOC107303340 (3p25 von Hippel-Lindau tumor suppressor, E3 ubiquitin protein ligase Alu-mediated recombination region; plus strand). Cytogenetic location: 3p25.3.
Variant type: single nucleotide variant.
Coding change: c.340+619C>T on transcript NM_000551.4 (MANE Select); 619 bases into the intron after coding-DNA position 340, C replaced by T.
Molecular consequence: intron variant. On other transcripts: synonymous variant (1).
Genome position (GRCh38, 1-based): chr3:10,142,806, C>T. VCF-style: chr3-10142806-C-T. GRCh37 (hg19) VCF-style: chr3-10184490-C-T.
Other names: c.384C>T, p.Leu128= (NM_001354723.2); c.340+619C>T (NM_198156.3).
Identifiers: ClinVar variation 1368008 (VCV001368008.8), dbSNP rs1319443909, ClinGen allele CA896160188.